The following is an entry in ClinVar:

NM_015072.5(TTLL5):c.3543A>T (p.Thr1181=)

Gene: TTLL5 (tubulin tyrosine ligase like 5; plus strand). Cytogenetic location: 14q24.3.
Variant type: single nucleotide variant.
Coding change: c.3543A>T on transcript NM_015072.5 (MANE Select); coding-DNA position 3543, A replaced by T.
Protein change: p.Thr1181=; no amino-acid change (threonine 1181 retained).
Molecular consequence: synonymous variant.
Genome position (GRCh38, 1-based): chr14:75,882,705, A>T. VCF-style: chr14-75882705-A-T. GRCh37 (hg19) VCF-style: chr14-76349048-A-T.
Other names: c.3543A>T (NM_015072.4).
Identifiers: ClinVar variation 1139547 (VCV001139547.10), dbSNP rs148843544, ClinGen allele CA7280076.

ClinVar aggregate classification (germline): Likely benign. Review status: criteria provided, multiple submitters, no conflicts (2 of 4 stars). 2 submissions from 2 submitters: Likely benign (2). Last evaluated 2026-07-29.

Conditions:
TTLL5-related disorder. Also called: TTLL5-related condition.

Allele frequency attached by ClinVar (database versions not stated): TOPMed 0.00002; ESP Exome Variant Server 0.00008.
gnomAD v4.1: 22 of 1,610,998 alleles (0.0014%); highest among the groups gnomAD compares: Non-Finnish European, 0.0019%; no homozygotes.

Submissions (2):

PreventionGenetics, part of Exact Sciences
Classification: Likely benign for TTLL5-related condition. Last evaluated: 2026-07-29. Review status: criteria provided, single submitter. Criteria: ACMG Guidelines, 2015. Collection method: clinical testing. Allele origin: germline.
Comment: This variant is classified as likely benign based on ACMG/AMP sequence variant interpretation guidelines (Richards et al. 2015 PMID: 25741868, with internal and published modifications).

Labcorp Genetics (formerly Invitae), Labcorp
Classification: Likely benign. Last evaluated: 2022-07-06. Review status: criteria provided, single submitter. Criteria: Invitae Variant Classification Sherloc (09022015). Collection method: clinical testing. Allele origin: germline.